The following is an entry in ClinVar:

NM_020975.6(RET):c.2503T>G (p.Ser835Ala)

Gene: RET (ret proto-oncogene; plus strand). Cytogenetic location: 10q11.21.
Variant type: single nucleotide variant.
Coding change: c.2503T>G on transcript NM_020975.6 (MANE Select); coding-DNA position 2503, T replaced by G.
Protein change: p.Ser835Ala; replaces serine 835 with alanine.
Molecular consequence: missense variant.
Genome position (GRCh38, 1-based): chr10:43,119,641, T>G. VCF-style: chr10-43119641-T-G. GRCh37 (hg19) VCF-style: chr10-43615089-T-G.
Other names: c.2503T>G, p.Ser835Ala (NM_000323.2, NM_001406743.1, NM_001406744.1 and 4 more transcripts); c.1741T>G, p.Ser581Ala (NM_001355216.2); c.2374T>G, p.Ser792Ala (NM_001406761.1, NM_001406762.1, NM_001406764.1); c.2368T>G, p.Ser790Ala (NM_001406763.1, NM_001406765.1); c.2215T>G, p.Ser739Ala (NM_001406766.1, NM_001406767.1, NM_001406770.1); c.2239T>G, p.Ser747Ala (NM_001406768.1); c.2107T>G, p.Ser703Ala (NM_001406769.1, NM_001406772.1); c.2065T>G, p.Ser689Ala (NM_001406771.1, NM_001406773.1); and 10 more; short protein forms S581A, S835A, S400A, S491A, S496A, S660A, S440A, S493A.
Identifiers: ClinVar variation 1468890 (VCV001468890.6), dbSNP rs2132946807, ClinGen allele CA376556400.
Genomic context (GRCh38, chr10:43,119,641, plus strand): 5'-TTCCTCCGCGAGAGCCGCAAAGTGGGGCCTGGCTACCTGGGCAGTGGAGGCAGCCGCAAC[T>G]CCAGCTCCCTGGACCACCCGGATGAGCGGGCCCTCACCATGGGCGACCTCATCTCATTTG-3'
Protein context (NP_066124.1, residues 825-845): GYLGSGGSRN[Ser835Ala]SSLDHPDERA

ClinVar aggregate classification (germline): Uncertain significance (1 of 4 stars; one submission).

Conditions:
Multiple endocrine neoplasia, type 2 (MEN2). Identifiers: Orphanet 653, MedGen C4048306, MONDO:0019003. Disease mechanism: gain of function.

Submission:

Labcorp Genetics (formerly Invitae), Labcorp
Classification: Uncertain significance for Multiple endocrine neoplasia, type 2. Last evaluated: 2021-08-28. Review status: criteria provided, single submitter. Criteria: Invitae Variant Classification Sherloc (09022015). Collection method: clinical testing. Allele origin: germline.
Comment: This sequence change replaces serine with alanine at codon 835 of the RET protein (p.Ser835Ala). The serine residue is highly conserved and there is a moderate physicochemical difference between serine and alanine. This variant is not present in population databases (ExAC no frequency). This variant has not been reported in the literature in individuals affected with RET-related conditions. Algorithms developed to predict the effect of missense changes on protein structure and function are either unavailable or do not agree on the potential impact of this missense change (SIFT: "Deleterious"; PolyPhen-2: "Benign"; Align-GVGD: "Class C0"). In summary, the available evidence is currently insufficient to determine the role of this variant in disease. Therefore, it has been classified as a Variant of Uncertain Significance.